The following is an entry in ClinVar:

NM_000426.4(LAMA2):c.2587C>T (p.Gln863Ter)

Gene: LAMA2 (laminin subunit alpha 2; plus strand). Cytogenetic location: 6q22.33.
Variant type: single nucleotide variant.
Coding change: c.2587C>T on transcript NM_000426.4 (MANE Select); coding-DNA position 2587, C replaced by T.
Protein change: p.Gln863Ter; replaces glutamine 863 with a stop codon.
Molecular consequence: nonsense.
Genome position (GRCh38, 1-based): chr6:129,287,896, C>T. VCF-style: chr6-129287896-C-T. GRCh37 (hg19) VCF-style: chr6-129609041-C-T.
Other names: c.2587C>T, p.Gln863Ter (NM_001079823.2); short protein forms Q863*.
Identifiers: ClinVar variation 984194 (VCV000984194.4), dbSNP rs897845923, ClinGen allele CA365609795.

ClinVar aggregate classification (germline): Likely pathogenic (1 of 4 stars; one submission).

Conditions:
LAMA2-related muscular dystrophy (LAMA2-RD). Also called: Laminin alpha 2-related dystrophy. Identifiers: MedGen C5679788, MONDO:0100228.

Allele frequency attached by ClinVar (database versions not stated): gnomAD exomes below 0.00001.
gnomAD v4.1: 1 of 1,614,088 alleles (0.000062%); highest among the groups gnomAD compares: Non-Finnish European, 0.000085%; no homozygotes.

Submission:

Myriad Genetics, Inc.
Classification: Likely pathogenic for LAMA2-related muscular dystrophy. Last evaluated: 2019-09-30. Review status: criteria provided, single submitter. Criteria: Myriad Autosomal Dominant, Autosomal Recessive and X-Linked Classification Criteria (2023). Collection method: clinical testing. Allele origin: unknown.
Comment: NM_000426.3(LAMA2):c.2587C>T(Q863*) is expected to be pathogenic in the context of LAMA2-related muscular dystrophy. This variant is predicted to lead to an abnormal or absent protein product due to the creation of a premature termination codon in LAMA2, a gene where loss-of-function variants are known to be pathogenic. Please note: this variant was assessed in the context of healthy population screening.